The following is an entry in ClinVar:

NM_001024630.4(RUNX2):c.216GGC[7] (p.Ala88_Ala89dup)

Genes: RUNX2 (RUNX family transcription factor 2; plus strand), LOC109611589 (runt related transcription factor 2 polyalanine expansion region; plus strand). Cytogenetic location: 6p21.1.
Variant type: Microsatellite.
Coding change: c.216GGC[7] on transcript NM_001024630.4 (MANE Select); seven copies in a row of the 3-base unit GGC starting at c.216; the reference has five copies in a row; two copies, 6 bases duplicated.
Protein change: p.Ala88_Ala89dup.
Molecular consequence: inframe insertion.
Genome position (GRCh38, 1-based): chr6:45,422,759-45,422,764, GGCGGC duplicated; duplicating any 6 consecutive bases within chr6:45,422,750-45,422,764 gives the same sequence; the position shown is the placement nearest the transcript's 3' end. VCF-style (leftmost placement, unchanged base first): chr6-45422749-A-AGGCGGC. GRCh37 (hg19) VCF-style: chr6-45390486-A-AGGCGGC.
Other names: c.216GGC[7], p.Ala88_Ala89dup (NM_001015051.4); c.174GGC[7], p.Ala74_Ala75dup (NM_001278478.2, NM_001369405.1).
Identifiers: ClinVar variation 1429898 (VCV001429898.8), dbSNP rs746557318, ClinGen allele CA567156252.

ClinVar aggregate classification (germline): Uncertain significance (1 of 4 stars; one submission).

Submission:

Labcorp Genetics (formerly Invitae), Labcorp
Classification: Uncertain significance. Last evaluated: 2025-01-06. Review status: criteria provided, single submitter. Criteria: Invitae Variant Classification Sherloc (09022015). Collection method: clinical testing. Allele origin: germline.
Comment: This variant, c.225_230dup, results in the insertion of 2 amino acid(s) of the RUNX2 protein (p.Ala88_Ala89dup), but otherwise preserves the integrity of the reading frame. The frequency data for this variant in the population databases is considered unreliable, as metrics indicate poor data quality at this position in the gnomAD database. This variant has not been reported in the literature in individuals affected with RUNX2-related conditions. Experimental studies and prediction algorithms are not available or were not evaluated, and the functional significance of this variant is currently unknown. In summary, the available evidence is currently insufficient to determine the role of this variant in disease. Therefore, it has been classified as a Variant of Uncertain Significance.